The following is an entry in ClinVar:

ClinVar aggregate classification (germline): Uncertain significance. Review status: criteria provided, multiple submitters, no conflicts (2 of 4 stars). 3 submissions from 3 submitters: Uncertain significance (3). Last evaluated 2024-03-22.

Conditions:
Loeys-Dietz syndrome 2 (LDS2). Also called: Marfan Syndrome type 2; Marfan like connective tissue disorder; MFS 2; TGFBR2-Related Loeys-Dietz Syndrome; AORTIC ANEURYSM, FAMILIAL THORACIC 3; MARFAN SYNDROME, TYPE II. Identifiers: Orphanet 284973, Orphanet 558, MedGen C2674574, MONDO:0012427, OMIM 610168.

Allele frequency attached by ClinVar (database versions not stated): TOPMed below 0.00001; gnomAD exomes 0.00001; gnomAD 0.00002.
gnomAD v4.1: 15 of 1,613,880 alleles (0.00093%); highest among the groups gnomAD compares: Non-Finnish European, 0.0013%; no homozygotes.

Submissions (3):

Ambry Genetics
Classification: Uncertain significance. Last evaluated: 2024-03-22. Review status: criteria provided, single submitter. Criteria: Ambry Variant Classification Scheme 2023. Collection method: clinical testing. Allele origin: germline.
Comment: The p.K334R variant (also known as c.1001A>G), located in coding exon 4 of the TMPO gene, results from an A to G substitution at nucleotide position 1001. The lysine at codon 334 is replaced by arginine, an amino acid with highly similar properties. This amino acid position is conserved. In addition, this alteration is predicted to be tolerated by in silico analysis. Based on the available evidence, the clinical significance of this alteration remains unclear.

Labcorp Genetics (formerly Invitae), Labcorp
Classification: Uncertain significance for Loeys-Dietz syndrome 2. Last evaluated: 2023-06-19. Review status: criteria provided, single submitter. Criteria: Invitae Variant Classification Sherloc (09022015). Collection method: clinical testing. Allele origin: germline.
Comment: In summary, the available evidence is currently insufficient to determine the role of this variant in disease. Therefore, it has been classified as a Variant of Uncertain Significance. Advanced modeling of protein sequence and biophysical properties (such as structural, functional, and spatial information, amino acid conservation, physicochemical variation, residue mobility, and thermodynamic stability) performed at Invitae indicates that this missense variant is not expected to disrupt TMPO protein function. ClinVar contains an entry for this variant (Variation ID: 1810048). This variant has not been reported in the literature in individuals affected with TMPO-related conditions. This variant is present in population databases (no rsID available, gnomAD 0.0009%). This sequence change replaces lysine, which is basic and polar, with arginine, which is basic and polar, at codon 334 of the TMPO protein (p.Lys334Arg).

GeneDx
Classification: Uncertain significance. Last evaluated: 2022-06-28. Review status: criteria provided, single submitter. Criteria: GeneDx Variant Classification Process June 2021. Collection method: clinical testing. Allele origin: germline. Affected: yes.
Comment: Not observed at significant frequency in large population cohorts (gnomAD); In silico analysis supports that this missense variant does not alter protein structure/function; Has not been previously published as pathogenic or benign to our knowledge

NM_001032283.3(TMPO):c.565+1420A>G

Gene: TMPO (thymopoietin; plus strand). Cytogenetic location: 12q23.1.
Variant type: single nucleotide variant.
Coding change: c.565+1420A>G on transcript NM_001032283.3 (MANE Select); 1420 bases into the intron after coding-DNA position 565, A replaced by G.
Molecular consequence: intron variant. On other transcripts: missense variant (1).
Genome position (GRCh38, 1-based): chr12:98,533,258, A>G. VCF-style: chr12-98533258-A-G. GRCh37 (hg19) VCF-style: chr12-98927036-A-G.
Other names: c.1001A>G, p.Lys334Arg (NM_003276.2); c.565+1420A>G (NM_001307975.2, NM_001032284.3); short protein forms K334R.
Identifiers: ClinVar variation 1810048 (VCV001810048.5), dbSNP rs1278196276, ClinGen allele CA386152264.